The following is an entry in ClinVar:

ClinVar aggregate classification (germline): Uncertain significance (1 of 4 stars; one submission).

Allele frequency attached by ClinVar (database versions not stated): gnomAD exomes 0.00001; TOPMed 0.00001.
gnomAD v4.1: 13 of 1,613,428 alleles (0.00081%); highest among the groups gnomAD compares: Middle Eastern, 0.016%; no homozygotes.

Submission:

Ambry Genetics
Classification: Uncertain significance. Last evaluated: 2023-12-23. Review status: criteria provided, single submitter. Criteria: Ambry Variant Classification Scheme 2023. Collection method: clinical testing. Allele origin: germline.
Comment: The p.I1126V variant (also known as c.3376A>G), located in coding exon 16 of the POLQ gene, results from an A to G substitution at nucleotide position 3376. The isoleucine at codon 1126 is replaced by valine, an amino acid with highly similar properties. This amino acid position is conserved. In addition, this alteration is predicted to be tolerated by in silico analysis. Since supporting evidence is limited at this time, the clinical significance of this alteration remains unclear.

NM_199420.4(POLQ):c.3376A>G (p.Ile1126Val)

Gene: POLQ (DNA polymerase theta; minus strand). Cytogenetic location: 3q13.33.
Variant type: single nucleotide variant.
Coding change: c.3376A>G on transcript NM_199420.4 (MANE Select); coding-DNA position 3376, A replaced by G.
Protein change: p.Ile1126Val; replaces isoleucine 1126 with valine.
Molecular consequence: missense variant.
Genome position (GRCh38, 1-based): chr3:121,489,555, T>C on the plus strand (A>G on the coding strand, the complement: POLQ is on the minus strand). VCF-style: chr3-121489555-T-C. GRCh37 (hg19) VCF-style: chr3-121208402-T-C.
Other names: short protein forms I1126V.
Identifiers: ClinVar variation 1730770 (VCV001730770.2), dbSNP rs1311544229, ClinGen allele CA354100387.